The following is an entry in ClinVar:

NM_001035.3(RYR2):c.11119G>A (p.Gly3707Ser)

Gene: RYR2 (ryanodine receptor 2; plus strand). Cytogenetic location: 1q43.
Variant type: single nucleotide variant.
Coding change: c.11119G>A on transcript NM_001035.3 (MANE Select); coding-DNA position 11119, G replaced by A.
Protein change: p.Gly3707Ser; replaces glycine 3707 with serine.
Molecular consequence: missense variant.
Genome position (GRCh38, 1-based): chr1:237,742,323, G>A. VCF-style: chr1-237742323-G-A. GRCh37 (hg19) VCF-style: chr1-237905623-G-A.
Other names: short protein forms G3707S.
Identifiers: ClinVar variation 1332561 (VCV001332561.4), dbSNP rs1262001748, ClinGen allele CA345422140.

ClinVar aggregate classification (germline): Uncertain significance. Review status: criteria provided, multiple submitters, no conflicts (2 of 4 stars). 2 submissions from 2 submitters: Uncertain significance (2). Last evaluated 2025-03-18.

Conditions:
Catecholaminergic polymorphic ventricular tachycardia 1. Also called: VENTRICULAR TACHYCARDIA, CATECHOLAMINERGIC POLYMORPHIC, 1, WITH OR WITHOUT ATRIAL DYSFUNCTION AND/OR DILATED CARDIOMYOPATHY; VENTRICULAR TACHYCARDIA, STRESS-INDUCED POLYMORPHIC 1; RYR2-Related Catecholaminergic Polymorphic Ventricular Tachycardia. Identifiers: Orphanet 3286, MedGen C1631597, MONDO:0011484, OMIM 604772.
Cardiomyopathy (CMYO). Also called: Cardiomyopathies. Identifiers: Orphanet 167848, MedGen C0878544, MONDO:0004994, HP:0001638. Inheritance: Various modes of inheritance.

Allele frequency attached by ClinVar (database versions not stated): gnomAD exomes below 0.00001; gnomAD 0.00001.
gnomAD v4.1: 4 of 1,565,336 alleles (0.00026%); highest among the groups gnomAD compares: Middle Eastern, 0.017%; no homozygotes.

Submissions (2):

Labcorp Genetics (formerly Invitae), Labcorp
Classification: Uncertain significance for Catecholaminergic polymorphic ventricular tachycardia 1. Last evaluated: 2025-03-18. Review status: criteria provided, single submitter. Criteria: Invitae Variant Classification Sherloc (09022015). Collection method: clinical testing. Allele origin: germline.
Comment: This sequence change replaces glycine, which is neutral and non-polar, with serine, which is neutral and polar, at codon 3707 of the RYR2 protein (p.Gly3707Ser). This variant is not present in population databases (gnomAD no frequency). This variant has not been reported in the literature in individuals affected with RYR2-related conditions. ClinVar contains an entry for this variant (Variation ID: 1332561). Invitae Evidence Modeling of protein sequence and biophysical properties (such as structural, functional, and spatial information, amino acid conservation, physicochemical variation, residue mobility, and thermodynamic stability) indicates that this missense variant is not expected to disrupt RYR2 protein function with a negative predictive value of 95%. In summary, the available evidence is currently insufficient to determine the role of this variant in disease. Therefore, it has been classified as a Variant of Uncertain Significance.

Color Diagnostics, LLC DBA Color Health
Classification: Uncertain significance for Cardiomyopathy. Last evaluated: 2024-03-07. Review status: criteria provided, single submitter. Criteria: ACMG Guidelines, 2015. Collection method: clinical testing. Allele origin: germline.
Comment: This missense variant replaces glycine with serine at codon 3707 of the RYR2 protein. Computational prediction suggests that this variant may not impact protein structure and function (internally defined REVEL score threshold <= 0.5, PMID: 27666373). To our knowledge, functional studies have not been reported for this variant. This variant has not been reported in individuals affected with cardiovascular disorders in the literature. This variant has not been identified in the general population by the Genome Aggregation Database (gnomAD). The available evidence is insufficient to determine the role of this variant in disease conclusively. Therefore, this variant is classified as a Variant of Uncertain Significance.